The following is an entry in ClinVar:

NM_014915.3(ANKRD26):c.875-3T>C

Gene: ANKRD26 (ankyrin repeat domain 26; minus strand). Cytogenetic location: 10p12.1.
Variant type: single nucleotide variant.
Coding change: c.875-3T>C on transcript NM_014915.3 (MANE Select); 3 bases into the intron before coding-DNA position 875, T replaced by C.
Molecular consequence: intron variant.
Genome position (GRCh38, 1-based): chr10:27,077,543, A>G on the plus strand (T>C on the coding strand, the complement: ANKRD26 is on the minus strand). VCF-style: chr10-27077543-A-G. GRCh37 (hg19) VCF-style: chr10-27366472-A-G.
Other names: c.875-3T>C (NM_001256053.2).
Identifiers: ClinVar variation 4751387 (VCV004751387.1).

ClinVar aggregate classification (germline): Uncertain significance (1 of 4 stars; one submission).

gnomAD v4.1: 12 of 1,613,138 alleles (0.00074%); highest among the groups gnomAD compares: Admixed American, 0.013%; no homozygotes.

Submission:

Labcorp Genetics (formerly Invitae), Labcorp
Classification: Uncertain significance. Last evaluated: 2025-09-22. Review status: criteria provided, single submitter. Criteria: Invitae Variant Classification Sherloc (09022015). Collection method: clinical testing. Allele origin: germline.
Comment: This sequence change falls in intron 8 of the ANKRD26 gene. It does not directly change the encoded amino acid sequence of the ANKRD26 protein. It affects a nucleotide within the consensus splice site. This variant is present in population databases (rs758234431, gnomAD 0.0009%). This variant has not been reported in the literature in individuals affected with ANKRD26-related conditions. Variants that disrupt the consensus splice site are a relatively common cause of aberrant splicing (PMID: 17576681, 9536098). Algorithms developed to predict the effect of sequence changes on RNA splicing suggest that this variant is not likely to affect RNA splicing. In summary, the available evidence is currently insufficient to determine the role of this variant in disease. Therefore, it has been classified as a Variant of Uncertain Significance.

Literature cited by the submitters: PubMed 17576681; PubMed 9536098.